The following is an entry in ClinVar:

ClinVar aggregate classification (germline): Uncertain significance. Review status: criteria provided, multiple submitters, no conflicts (2 of 4 stars). 2 submissions from 2 submitters: Uncertain significance (2). Last evaluated 2025-10-30.

Conditions:
Hereditary cancer-predisposing syndrome. Also called: Hereditary neoplastic syndrome; Neoplastic Syndromes, Hereditary; Tumor predisposition; Hereditary Cancer Syndrome. Identifiers: Orphanet 140162, MedGen C0027672, MeSH D009386, MONDO:0015356.
Tuberous sclerosis 2 (TSC2). Identifiers: Orphanet 805, MedGen C1860707, MONDO:0013199, OMIM 613254.

Submissions (2):

Ambry Genetics
Classification: Uncertain significance for Hereditary cancer-predisposing syndrome. Last evaluated: 2025-10-30. Review status: criteria provided, single submitter. Criteria: Ambry Variant Classification Scheme 2023. Collection method: clinical testing. Allele origin: germline.
Comment: The p.M168T variant (also known as c.503T>C), located in coding exon 5 of the TSC2 gene, results from a T to C substitution at nucleotide position 503. The methionine at codon 168 is replaced by threonine, an amino acid with similar properties. This amino acid position is conserved. In addition, this alteration is predicted to be deleterious by in silico analysis. Based on the available evidence, the clinical significance of this variant remains unclear.

Labcorp Genetics (formerly Invitae), Labcorp
Classification: Uncertain significance for Tuberous sclerosis 2. Last evaluated: 2024-02-14. Review status: criteria provided, single submitter. Criteria: Invitae Variant Classification Sherloc (09022015). Collection method: clinical testing. Allele origin: germline.
Comment: This sequence change replaces methionine, which is neutral and non-polar, with threonine, which is neutral and polar, at codon 168 of the TSC2 protein (p.Met168Thr). This variant is not present in population databases (gnomAD no frequency). This variant has not been reported in the literature in individuals affected with TSC2-related conditions. ClinVar contains an entry for this variant (Variation ID: 468132). Advanced modeling of protein sequence and biophysical properties (such as structural, functional, and spatial information, amino acid conservation, physicochemical variation, residue mobility, and thermodynamic stability) performed at Invitae indicates that this missense variant is not expected to disrupt TSC2 protein function with a negative predictive value of 95%. In summary, the available evidence is currently insufficient to determine the role of this variant in disease. Therefore, it has been classified as a Variant of Uncertain Significance.

NM_000548.5(TSC2):c.503T>C (p.Met168Thr)

Gene: TSC2 (TSC complex subunit 2; plus strand). Cytogenetic location: 16p13.3.
Variant type: single nucleotide variant.
Coding change: c.503T>C on transcript NM_000548.5 (MANE Select); coding-DNA position 503, T replaced by C.
Protein change: p.Met168Thr; replaces methionine 168 with threonine.
Molecular consequence: missense variant. On other transcripts: intron variant (1).
Genome position (GRCh38, 1-based): chr16:2,055,423, T>C. VCF-style: chr16-2055423-T-C. GRCh37 (hg19) VCF-style: chr16-2105424-T-C.
Other names: c.503T>C, p.Met168Thr (NM_001077183.3, NM_001114382.3, NM_001363528.2 and 3 more transcripts); c.392T>C, p.Met131Thr (NM_001318827.2); c.356T>C, p.Met119Thr (NM_001318829.2); c.536T>C, p.Met179Thr (NM_001318832.2); c.-1-773T>C (NM_001318831.2); short protein forms M168T, M131T, M179T, M119T.
Identifiers: ClinVar variation 468132 (VCV000468132.11), dbSNP rs1555498124, ClinGen allele CA394309172.